The following is an entry in ClinVar:

ClinVar aggregate classification (germline): Uncertain significance (1 of 4 stars; one submission).

Submission:

Labcorp Genetics (formerly Invitae), Labcorp
Classification: Uncertain significance. Last evaluated: 2024-04-02. Review status: criteria provided, single submitter. Criteria: Invitae Variant Classification Sherloc (09022015). Collection method: clinical testing. Allele origin: germline.
Comment: This sequence change replaces alanine, which is neutral and non-polar, with glycine, which is neutral and non-polar, at codon 1246 of the MTOR protein (p.Ala1246Gly). This variant is not present in population databases (gnomAD no frequency). This variant has not been reported in the literature in individuals affected with MTOR-related conditions. Advanced modeling of protein sequence and biophysical properties (such as structural, functional, and spatial information, amino acid conservation, physicochemical variation, residue mobility, and thermodynamic stability) performed at Invitae indicates that this missense variant is not expected to disrupt MTOR protein function with a negative predictive value of 95%. In summary, the available evidence is currently insufficient to determine the role of this variant in disease. Therefore, it has been classified as a Variant of Uncertain Significance.

NM_004958.4(MTOR):c.3737C>G (p.Ala1246Gly)

Gene: MTOR (mechanistic target of rapamycin kinase; minus strand). Cytogenetic location: 1p36.22.
Variant type: single nucleotide variant.
Coding change: c.3737C>G on transcript NM_004958.4 (MANE Select); coding-DNA position 3737, C replaced by G.
Protein change: p.Ala1246Gly; replaces alanine 1246 with glycine.
Molecular consequence: missense variant.
Genome position (GRCh38, 1-based): chr1:11,209,376, G>C on the plus strand (C>G on the coding strand, the complement: MTOR is on the minus strand). VCF-style: chr1-11209376-G-C. GRCh37 (hg19) VCF-style: chr1-11269433-G-C.
Other names: c.3737C>G, p.Ala1246Gly (NM_001386500.1); c.2489C>G, p.Ala830Gly (NM_001386501.1); short protein forms A1246G, A830G.
Identifiers: ClinVar variation 3633491 (VCV003633491.2).